The following is an entry in ClinVar:

ClinVar aggregate classification (germline): Uncertain significance (1 of 4 stars; one submission).

Conditions:
Paroxysmal nonkinesigenic dyskinesia. Also called: Paroxysmal non-kinesigenic dyskinesia. Identifiers: Orphanet 98810, MedGen C1869117, MONDO:0700088.

gnomAD v4.1: 1 of 1,575,472 alleles (0.000063%); highest among the groups gnomAD compares: African/African-American, 0.0013%; no homozygotes.

Submission:

Labcorp Genetics (formerly Invitae), Labcorp
Classification: Uncertain significance for Paroxysmal nonkinesigenic dyskinesia. Last evaluated: 2024-01-21. Review status: criteria provided, single submitter. Criteria: Invitae Variant Classification Sherloc (09022015). Collection method: clinical testing. Allele origin: germline.
Comment: This sequence change replaces glutamic acid, which is acidic and polar, with aspartic acid, which is acidic and polar, at codon 292 of the PNKD protein (p.Glu292Asp). This variant is not present in population databases (gnomAD no frequency). This variant has not been reported in the literature in individuals affected with PNKD-related conditions. Advanced modeling of protein sequence and biophysical properties (such as structural, functional, and spatial information, amino acid conservation, physicochemical variation, residue mobility, and thermodynamic stability) performed at Invitae indicates that this missense variant is not expected to disrupt PNKD protein function with a negative predictive value of 80%. In summary, the available evidence is currently insufficient to determine the role of this variant in disease. Therefore, it has been classified as a Variant of Uncertain Significance.

NM_015488.5(PNKD):c.876G>C (p.Glu292Asp)

Genes: CATIP-AS2 (CATIP antisense RNA 2; minus strand), PNKD (PNKD metallo-beta-lactamase domain containing; plus strand). Cytogenetic location: 2q35.
Variant type: single nucleotide variant.
Coding change: c.876G>C on transcript NM_015488.5 (MANE Select); coding-DNA position 876, G replaced by C.
Protein change: p.Glu292Asp; replaces glutamic acid 292 with aspartic acid.
Molecular consequence: missense variant.
Genome position (GRCh38, 1-based): chr2:218,344,462, G>C. VCF-style: chr2-218344462-G-C. GRCh37 (hg19) VCF-style: chr2-219209185-G-C.
Other names: c.804G>C, p.Glu268Asp (NM_022572.5); short protein forms E292D, E268D.
Identifiers: ClinVar variation 2710625 (VCV002710625.3), dbSNP rs752371418, ClinGen allele CA350542525.
Genomic context (GRCh38, chr2:218,344,462, plus strand): 5'-CTGTACCACCAATCTCTCTCTGCTCTGTGTCTCACCCTCATGGCTGTCGGTAGGTCATGA[G>C]TATGCAGAGGAGAACCTGGGCTTTGCAGGTGTGGTGGAGCCCGAGAACCTGGCCCGGGAG-3'
Protein context (NP_056303.3, residues 282-302): GDDTLLWPGH[Glu292Asp]YAEENLGFAG